The following is an entry in ClinVar:

NM_000252.3(MTM1):c.1792del (p.His598fs)

Gene: MTM1 (myotubularin 1; plus strand). Cytogenetic location: Xq28.
Variant type: Deletion.
Coding change: c.1792del on transcript NM_000252.3 (MANE Select); coding-DNA position 1792, one base deleted (C; older notation c.1792delC).
Protein change: p.His598fs; shifts the reading frame from histidine 598.
Molecular consequence: frameshift variant.
Genome position (GRCh38, 1-based): chrX:150,671,575, C deleted; the last of 4 consecutive C bases (chrX:150,671,572-150,671,575); deleting any one gives the same sequence. VCF-style (leftmost placement, unchanged base first): chrX-150671571-GC-G. GRCh37 (hg19) VCF-style: chrX-149840044-GC-G.
Other names: NM_000252.3(MTM1):c.1792del; p.His598fs; c.1789del, p.His597fs (NM_001376906.1); c.1681del, p.His561fs (NM_001376907.1); c.1792del, p.His598fs (NM_001376908.1); short protein forms H598fs, H561fs, H597fs.
Identifiers: ClinVar variation 158953 (VCV000158953.7), dbSNP rs34119065, ClinGen allele CA271849.

ClinVar aggregate classification (germline): Likely pathogenic. Review status: reviewed by expert panel (3 of 4 stars). 2 submissions from 2 submitters: Likely pathogenic (1). 1 of the submissions does not count toward it. Last evaluated 2024-08-07.

Conditions:
Severe X-linked myotubular myopathy (CNMX). Also called: MYOTUBULAR MYOPATHY 1; X-linked centronuclear myopathy; Myotubular myopathy, X-linked. Identifiers: Orphanet 596, MedGen C0410203, MONDO:0010683, OMIM 310400.

Submissions (2):

ClinGen Congenital Myopathies Variant Curation Expert Panel, ClinGen
Classification: Likely pathogenic for Severe X-linked myotubular myopathy. Last evaluated: 2024-08-07. Review status: reviewed by expert panel. Criteria: ClinGen CongenMyopathy ACMG Specifications MTM1 V1.0.0. Collection method: curation. Allele origin: germline. Inheritance: X-linked inheritance.
Comment: The NM_000252.3:c.1792del (p.His598Metfs*23) variant in MTM1 is a frameshift variant in the last exon (exon 15) whose frameshift is predicted to extend the myotubularin protein by 16 amino acids at its C terminus (PM4). The variant is absent from gnomAD v4.1.0 meeting PM2_Supporting. In summary, this variant meets the criteria to be classified as likely pathogenic for X-linked centronuclear myopathy based on the ACMG/AMP criteria applied, as specified by the ClinGen Congenital Myopathies VCEP: PS4_Moderate, PM4, PP4, PM2_Supporting (ClinGen Congenital Myopathies VCEP specifications version 1; 8/7/2024).

Genetic Services Laboratory, University of Chicago
Classification: Pathogenic for Myotubular myopathy, X-linked. Last evaluated: 2014-04-04. Review status: criteria provided, single submitter. Criteria: ACMG Guidelines, 2007. Collection method: clinical testing. Allele origin: germline. Inheritance: X-linked inheritance. Affected: yes. Not counted in ClinVar's aggregate classification.